The following is an entry in ClinVar:

NM_139058.3(ARX):c.110G>T (p.Ser37Ile)

Gene: ARX (aristaless related homeobox; minus strand). Cytogenetic location: Xp21.3.
Variant type: single nucleotide variant.
Coding change: c.110G>T on transcript NM_139058.3 (MANE Select); coding-DNA position 110, G replaced by T.
Protein change: p.Ser37Ile; replaces serine 37 with isoleucine.
Molecular consequence: missense variant.
Genome position (GRCh38, 1-based): chrX:25,015,628, C>A on the plus strand (G>T on the coding strand, the complement: ARX is on the minus strand). VCF-style: chrX-25015628-C-A. GRCh37 (hg19) VCF-style: chrX-25033745-C-A.
Other names: short protein forms S37I.
Identifiers: ClinVar variation 521514 (VCV000521514.5), dbSNP rs1556058116, ClinGen allele CA412613875.

ClinVar aggregate classification (germline): Uncertain significance. Review status: criteria provided, multiple submitters, no conflicts (2 of 4 stars). 2 submissions from 2 submitters: Uncertain significance (2). Last evaluated 2025-10-10.

Conditions:
Inborn genetic diseases. Identifiers: MedGen C0950123, MeSH D030342.
Intellectual disability, X-linked, with or without seizures, ARX-related. Also called: Mental retardation, X-linked 52; MENTAL RETARDATION, X-LINKED 29; MENTAL RETARDATION, X-LINKED 32; MENTAL RETARDATION, X-LINKED 33; MENTAL RETARDATION, X-LINKED 38; MENTAL RETARDATION, X-LINKED 43. Identifiers: Orphanet 777, MedGen C0796244, MONDO:0010317, OMIM 300419.
Developmental and epileptic encephalopathy, 1 (DEE1). Also called: Epileptic encephalopathy, early infantile, 1; INFANTILE SPASM SYNDROME, X-LINKED 1; OHTAHARA SYNDROME, X-LINKED; X-linked infantile spasms; West's syndrome; Tonic spasms with clustering, arrest of psychomotor development and hypsarrhythmia on EEG. Identifiers: MedGen C3463992, MONDO:0010632, OMIM 308350. Disease mechanism: loss of function.

Submissions (2):

Labcorp Genetics (formerly Invitae), Labcorp
Classification: Uncertain significance for Developmental and epileptic encephalopathy, 1; Intellectual disability, X-linked, with or without seizures, ARX-related. Last evaluated: 2025-10-10. Review status: criteria provided, single submitter. Criteria: Invitae Variant Classification Sherloc (09022015). Collection method: clinical testing. Allele origin: germline.
Comment: This sequence change replaces serine, which is neutral and polar, with isoleucine, which is neutral and non-polar, at codon 37 of the ARX protein (p.Ser37Ile). This variant is not present in population databases (gnomAD no frequency). This variant has not been reported in the literature in individuals affected with ARX-related conditions. ClinVar contains an entry for this variant (Variation ID: 521514). Invitae Evidence Modeling of protein sequence and biophysical properties (such as structural, functional, and spatial information, amino acid conservation, physicochemical variation, residue mobility, and thermodynamic stability) has been performed for this missense variant. However, the output from this modeling did not meet the statistical confidence thresholds required to predict the impact of this variant on ARX protein function. In summary, the available evidence is currently insufficient to determine the role of this variant in disease. Therefore, it has been classified as a Variant of Uncertain Significance.

Ambry Genetics
Classification: Uncertain significance for Inborn genetic diseases. Last evaluated: 2017-04-06. Review status: criteria provided, single submitter. Criteria: Ambry exome assertion method (8-5-2015). Collection method: clinical testing. Allele origin: germline. Affected: yes. Observed: 1 variant allele.